The following is an entry in ClinVar:

ClinVar aggregate classification (germline): Uncertain significance (1 of 4 stars; one submission).

Conditions:
Walker-Warburg congenital muscular dystrophy. Also called: Muscular dystrophy-dystroglycanopathy, type A; Walker-Warburg syndrome. Identifiers: Orphanet 899, MedGen C0265221, MONDO:0000171.

Submission:

Labcorp Genetics (formerly Invitae), Labcorp
Classification: Uncertain significance for Walker-Warburg congenital muscular dystrophy. Last evaluated: 2022-06-30. Review status: criteria provided, single submitter. Criteria: Invitae Variant Classification Sherloc (09022015). Collection method: clinical testing. Allele origin: germline.
Comment: This variant has not been reported in the literature in individuals affected with FKRP-related conditions. This variant is not present in population databases (gnomAD no frequency). This sequence change replaces proline, which is neutral and non-polar, with serine, which is neutral and polar, at codon 117 of the FKRP protein (p.Pro117Ser). Algorithms developed to predict the effect of missense changes on protein structure and function are either unavailable or do not agree on the potential impact of this missense change (SIFT: "Tolerated"; PolyPhen-2: "Probably Damaging"; Align-GVGD: "Class C0"). In summary, the available evidence is currently insufficient to determine the role of this variant in disease. Therefore, it has been classified as a Variant of Uncertain Significance.

NM_024301.5(FKRP):c.349C>T (p.Pro117Ser)

Gene: FKRP (fukutin related protein; plus strand). Cytogenetic location: 19q13.32.
Variant type: single nucleotide variant.
Coding change: c.349C>T on transcript NM_024301.5 (MANE Select); coding-DNA position 349, C replaced by T.
Protein change: p.Pro117Ser; replaces proline 117 with serine.
Molecular consequence: missense variant.
Genome position (GRCh38, 1-based): chr19:46,755,799, C>T. VCF-style: chr19-46755799-C-T. GRCh37 (hg19) VCF-style: chr19-47259056-C-T.
Other names: c.349C>T, p.Pro117Ser (NM_001039885.3); short protein forms P117S.
Identifiers: ClinVar variation 2070956 (VCV002070956.4), dbSNP rs2513987542, ClinGen allele CA406495151.